The following is an entry in ClinVar:

ClinVar aggregate classification (germline): Uncertain significance (1 of 4 stars; one submission).

Submission:

Ambry Genetics
Classification: Uncertain significance. Last evaluated: 2025-11-23. Review status: criteria provided, single submitter. Criteria: Ambry Variant Classification Scheme 2023. Collection method: clinical testing. Allele origin: germline.
Comment: The p.K350E variant (also known as c.1048A>G), located in coding exon 3 of the EGLN1 gene, results from an A to G substitution at nucleotide position 1048. The lysine at codon 350 is replaced by glutamic acid, an amino acid with similar properties. This amino acid position is conserved. In addition, the in silico prediction for this alteration is inconclusive. Based on the available evidence, the clinical significance of this variant remains unclear.

NM_022051.3(EGLN1):c.1048A>G (p.Lys350Glu)

Gene: EGLN1 (egl-9 family hypoxia inducible factor 1; minus strand). Cytogenetic location: 1q42.2.
Variant type: single nucleotide variant.
Coding change: c.1048A>G on transcript NM_022051.3 (MANE Select); coding-DNA position 1048, A replaced by G.
Protein change: p.Lys350Glu; replaces lysine 350 with glutamic acid.
Molecular consequence: missense variant. On other transcripts: intron variant (1).
Genome position (GRCh38, 1-based): chr1:231,370,662, T>C on the plus strand (A>G on the coding strand, the complement: EGLN1 is on the minus strand). VCF-style: chr1-231370662-T-C. GRCh37 (hg19) VCF-style: chr1-231506408-T-C.
Other names: c.1048A>G, p.Lys350Glu (NM_001377260.1); c.1012-3026A>G (NM_001377261.1); short protein forms K350E.
Identifiers: ClinVar variation 4663417 (VCV004663417.1).